The following is an entry in ClinVar:

ClinVar aggregate classification (germline): Benign (1 of 4 stars; one submission).

Allele frequency attached by ClinVar (database versions not stated): ExAC 0.00805; gnomAD 0.02595 and 0.02797; TOPMed 0.02908; ESP Exome Variant Server 0.02976; 1000 Genomes Project 0.03035; 1000 Genomes Project 30x 0.03092.
gnomAD v4.1: 7,664 of 1,579,794 alleles (0.49%); highest among the groups gnomAD compares: African/African-American, 9.1%; 325 homozygotes.

Submission:

GeneDx
Classification: Benign. Last evaluated: 2018-06-19. Review status: criteria provided, single submitter. Criteria: GeneDx Variant Classification (06012015). Collection method: clinical testing. Allele origin: germline. Affected: yes.
Comment: This variant is considered likely benign or benign based on one or more of the following criteria: it is a conservative change, it occurs at a poorly conserved position in the protein, it is predicted to be benign by multiple in silico algorithms, and/or has population frequency not consistent with disease.

NM_000426.4(LAMA2):c.6086-40C>G

Genes: LAMA2 (laminin subunit alpha 2; plus strand), LOC123864065 (Sharpr-MPRA regulatory region 661; plus strand). Cytogenetic location: 6q22.33.
Variant type: single nucleotide variant.
Coding change: c.6086-40C>G on transcript NM_000426.4 (MANE Select); 40 bases into the intron before coding-DNA position 6086, C replaced by G.
Molecular consequence: intron variant.
Genome position (GRCh38, 1-based): chr6:129,440,776, C>G. VCF-style: chr6-129440776-C-G. GRCh37 (hg19) VCF-style: chr6-129761921-C-G.
Other names: c.6086-40C>G (NM_001079823.2).
Identifiers: ClinVar variation 678261 (VCV000678261.1), dbSNP rs73775406, ClinGen allele CA3994100.